The following is an entry in ClinVar:

NM_152468.5(TMC8):c.1667T>A (p.Ile556Asn)

Gene: TMC8 (transmembrane channel like 8; plus strand). Cytogenetic location: 17q25.3.
Variant type: single nucleotide variant.
Coding change: c.1667T>A on transcript NM_152468.5 (MANE Select); coding-DNA position 1667, T replaced by A.
Protein change: p.Ile556Asn; replaces isoleucine 556 with asparagine.
Molecular consequence: missense variant.
Genome position (GRCh38, 1-based): chr17:78,138,576, T>A. VCF-style: chr17-78138576-T-A. GRCh37 (hg19) VCF-style: chr17-76134657-T-A.
Other names: short protein forms I556N.
Identifiers: ClinVar variation 1473172 (VCV001473172.3), dbSNP rs1019271604, ClinGen allele CA294367115.

ClinVar aggregate classification (germline): Uncertain significance (1 of 4 stars; one submission).

Conditions:
Epidermodysplasia verruciformis. Identifiers: Orphanet 302, MedGen C0014522, MONDO:0009176.

Allele frequency attached by ClinVar (database versions not stated): gnomAD exomes below 0.00001.
gnomAD v4.1: 1 of 1,613,840 alleles (0.000062%); highest among the groups gnomAD compares: Admixed American, 0.0017%; no homozygotes.

Submission:

Labcorp Genetics (formerly Invitae), Labcorp
Classification: Uncertain significance for Epidermodysplasia verruciformis. Last evaluated: 2022-03-21. Review status: criteria provided, single submitter. Criteria: Invitae Variant Classification Sherloc (09022015). Collection method: clinical testing. Allele origin: germline.
Comment: This sequence change replaces isoleucine, which is neutral and non-polar, with asparagine, which is neutral and polar, at codon 556 of the TMC8 protein (p.Ile556Asn). This variant is not present in population databases (gnomAD no frequency). This variant has not been reported in the literature in individuals affected with TMC8-related conditions. Algorithms developed to predict the effect of missense changes on protein structure and function (SIFT, PolyPhen-2, Align-GVGD) all suggest that this variant is likely to be tolerated. In summary, the available evidence is currently insufficient to determine the role of this variant in disease. Therefore, it has been classified as a Variant of Uncertain Significance.